The following is an entry in ClinVar:

ClinVar aggregate classification (germline): Uncertain significance. Review status: criteria provided, multiple submitters, no conflicts (2 of 4 stars). 5 submissions from 5 submitters: Uncertain significance (5). Last evaluated 2026-04-06.

Conditions:
MYH6-related disorder. Also called: MYH6-Related Disorders; MYH6-related condition.
Hypertrophic cardiomyopathy 14. Identifiers: MedGen C2750467, MONDO:0013197, OMIM 613251.
Cardiovascular phenotype. Identifiers: MedGen CN230736.

Allele frequency attached by ClinVar (database versions not stated): ExAC 0.00001; gnomAD 0.00003.

Submissions (5):

Women's Health and Genetics/Laboratory Corporation of America, LabCorp
Classification: Uncertain significance. Last evaluated: 2026-04-06. Review status: criteria provided, single submitter. Criteria: LabCorp Variant Classification Summary - May 2015. Collection method: clinical testing. Allele origin: germline.
Comment: Variant summary: MYH6 c.4726C>T (p.Arg1576Trp) results in a non-conservative amino acid change located in the Myosin tail region (IPR002928) of the encoded protein sequence. Algorithms developed to predict the effect of missense changes on protein structure and function all suggest that this variant is likely to be disruptive. The variant allele was found at a frequency of 3.3e-05 in 1606866 control chromosomes (gnomAD). The observed variant frequency exceeds the estimated maximal expected allele frequency for disease-causing variants in MYH6. The variant, c.4726C>T, has been observed in an individual affected with congenital heart disease (Sierant_2025). These report(s) do not provide unequivocal conclusions about association of the variant with Cardiomyopathy. To our knowledge, no experimental evidence demonstrating an impact on protein function has been reported. The following publications have been ascertained in the context of this evaluation (PMID: 35982159, 40127276). ClinVar contains an entry for this variant (Variation ID: 1742689). Based on the evidence outlined above, the variant was classified as uncertain significance.

Ambry Genetics
Classification: Uncertain significance for Cardiovascular phenotype. Last evaluated: 2025-11-25. Review status: criteria provided, single submitter. Criteria: Ambry Variant Classification Scheme 2023. Collection method: clinical testing. Allele origin: germline.
Comment: The p.R1576W variant (also known as c.4726C>T), located in coding exon 31 of the MYH6 gene, results from a C to T substitution at nucleotide position 4726. The arginine at codon 1576 is replaced by tryptophan, an amino acid with dissimilar properties. This amino acid position is conserved. In addition, the in silico prediction for this alteration is inconclusive. Since supporting evidence is limited at this time, the clinical significance of this alteration remains unclear.

GeneDx
Classification: Uncertain significance. Last evaluated: 2025-05-27. Review status: criteria provided, single submitter. Criteria: GeneDx Variant Classification Process June 2021. Collection method: clinical testing. Allele origin: germline. Affected: yes.
Comment: Not observed at significant frequency in large population cohorts (gnomAD); In silico analysis supports that this missense variant has a deleterious effect on protein structure/function; Has not been previously published as pathogenic or benign to our knowledge; This variant is associated with the following publications: (PMID: 35982159)

PreventionGenetics, part of Exact Sciences
Classification: Uncertain significance for MYH6-related condition. Last evaluated: 2025-05-16. Review status: criteria provided, single submitter. Criteria: ACMG Guidelines, 2015. Collection method: clinical testing. Allele origin: germline.
Comment: The MYH6 c.4726C>T variant is predicted to result in the amino acid substitution p.Arg1576Trp. To our knowledge, this variant has not been reported in the literature in individuals with MYH6-related disorders. This variant is reported in 0.0062% of alleles in individuals of African descent in gnomAD. At this time, the clinical significance of this variant is uncertain due to the absence of conclusive functional and genetic evidence.

Labcorp Genetics (formerly Invitae), Labcorp
Classification: Uncertain significance for Hypertrophic cardiomyopathy 14. Last evaluated: 2023-12-03. Review status: criteria provided, single submitter. Criteria: Invitae Variant Classification Sherloc (09022015). Collection method: clinical testing. Allele origin: germline.
Comment: This sequence change replaces arginine, which is basic and polar, with tryptophan, which is neutral and slightly polar, at codon 1576 of the MYH6 protein (p.Arg1576Trp). This variant is present in population databases (rs775263766, gnomAD 0.007%). This variant has not been reported in the literature in individuals affected with MYH6-related conditions. ClinVar contains an entry for this variant (Variation ID: 1742689). Advanced modeling of protein sequence and biophysical properties (such as structural, functional, and spatial information, amino acid conservation, physicochemical variation, residue mobility, and thermodynamic stability) performed at Invitae indicates that this missense variant is expected to disrupt MYH6 protein function with a positive predictive value of 80%. In summary, the available evidence is currently insufficient to determine the role of this variant in disease. Therefore, it has been classified as a Variant of Uncertain Significance.

Literature cited by the submitters: PubMed 35982159 (cited by Women's Health and Genetics/Laboratory Corporation of America, LabCorp); PubMed 40127276 (cited by Women's Health and Genetics/Laboratory Corporation of America, LabCorp).

NM_002471.4(MYH6):c.4726C>T (p.Arg1576Trp)

Genes: MYH6 (myosin heavy chain 6; minus strand), LOC126861896 (BRD4-independent group 4 enhancer GRCh37_chr14:23854904-23856103; plus strand). Cytogenetic location: 14q11.2.
Variant type: single nucleotide variant.
Coding change: c.4726C>T on transcript NM_002471.4 (MANE Select); coding-DNA position 4726, C replaced by T.
Protein change: p.Arg1576Trp; replaces arginine 1576 with tryptophan.
Molecular consequence: missense variant.
Genome position (GRCh38, 1-based): chr14:23,386,548, G>A on the plus strand (C>T on the coding strand, the complement: MYH6 is on the minus strand). VCF-style: chr14-23386548-G-A. GRCh37 (hg19) VCF-style: chr14-23855757-G-A.
Other names: short protein forms R1576W.
Identifiers: ClinVar variation 1742689 (VCV001742689.9), dbSNP rs775263766, ClinGen allele CA7114652.